The following is an entry in ClinVar:

NM_007215.4(POLG2):c.434T>A (p.Phe145Tyr)

Genes: MILR1 (mast cell immunoglobulin like receptor 1; plus strand), POLG2 (DNA polymerase gamma 2, accessory subunit; minus strand). Cytogenetic location: 17q23.3.
Variant type: single nucleotide variant.
Coding change: c.434T>A on transcript NM_007215.4 (MANE Select); coding-DNA position 434, T replaced by A.
Protein change: p.Phe145Tyr; replaces phenylalanine 145 with tyrosine.
Molecular consequence: missense variant.
Genome position (GRCh38, 1-based): chr17:64,496,535, A>T on the plus strand (T>A on the coding strand, the complement: POLG2 is on the minus strand). VCF-style: chr17-64496535-A-T. GRCh37 (hg19) VCF-style: chr17-62492653-A-T.
Other names: short protein forms F145Y.
Identifiers: ClinVar variation 2500517 (VCV002500517.4), dbSNP rs2509560371, ClinGen allele CA400640941.
Genomic context (GRCh38, chr17:64,496,535, plus strand): 5'-TCCTTACTCAGCTCTTTGTCTTGCAAGATTTCGCGTAGAGTTTCTGCAGAAACTAACCTG[A>T]AGGCACTGTCCCCGGGTAGCAAAGGGCCTGGTTTGTGGTGGAGGGCGTCCACCGGGAATA-3'
Protein context (NP_009146.2, residues 135-155): PGPLLPGDSA[Phe145Tyr]RLVSAETLRE

ClinVar aggregate classification (germline): Uncertain significance. Review status: criteria provided, multiple submitters, no conflicts (2 of 4 stars). 2 submissions from 2 submitters: Uncertain significance (2). Last evaluated 2022-11-12.

Allele frequency attached by ClinVar (database versions not stated): gnomAD exomes below 0.00001.
gnomAD v4.1: 6 of 1,613,744 alleles (0.00037%); highest among the groups gnomAD compares: Non-Finnish European, 0.00034%; no homozygotes.

Submissions (2):

Labcorp Genetics (formerly Invitae), Labcorp
Classification: Uncertain significance. Last evaluated: 2022-11-12. Review status: criteria provided, single submitter. Criteria: Invitae Variant Classification Sherloc (09022015). Collection method: clinical testing. Allele origin: germline.
Comment: This sequence change replaces phenylalanine, which is neutral and non-polar, with tyrosine, which is neutral and polar, at codon 145 of the POLG2 protein (p.Phe145Tyr). This variant is not present in population databases (gnomAD no frequency). This variant has not been reported in the literature in individuals affected with POLG2-related conditions. Algorithms developed to predict the effect of missense changes on protein structure and function are either unavailable or do not agree on the potential impact of this missense change (SIFT: "Tolerated"; PolyPhen-2: "Possibly Damaging"; Align-GVGD: "Class C0"). In summary, the available evidence is currently insufficient to determine the role of this variant in disease. Therefore, it has been classified as a Variant of Uncertain Significance.

GeneDx
Classification: Uncertain significance. Last evaluated: 2022-11-01. Review status: criteria provided, single submitter. Criteria: GeneDx Variant Classification Process June 2021. Collection method: clinical testing. Allele origin: germline. Affected: yes.
Comment: Not observed at significant frequency in large population cohorts (gnomAD); In silico analysis supports that this missense variant does not alter protein structure/function; Has not been previously published as pathogenic or benign to our knowledge